The following is an entry in ClinVar:

ClinVar aggregate classification (germline): Uncertain significance (1 of 4 stars; one submission).

Submission:

Labcorp Genetics (formerly Invitae), Labcorp
Classification: Uncertain significance. Last evaluated: 2021-12-03. Review status: criteria provided, single submitter. Criteria: Invitae Variant Classification Sherloc (09022015). Collection method: clinical testing. Allele origin: germline.
Comment: This sequence change replaces lysine with glutamic acid at codon 381 of the LARS protein (p.Lys381Glu). There is a small physicochemical difference between lysine and glutamic acid. This variant is not present in population databases (gnomAD no frequency). This variant has not been reported in the literature in individuals affected with LARS-related conditions. Algorithms developed to predict the effect of missense changes on protein structure and function are either unavailable or do not agree on the potential impact of this missense change (SIFT: "Not Available"; PolyPhen-2: "Benign"; Align-GVGD: "Not Available"). In summary, the available evidence is currently insufficient to determine the role of this variant in disease. Therefore, it has been classified as a Variant of Uncertain Significance.

NM_020117.11(LARS1):c.1141A>G (p.Lys381Glu)

Gene: LARS1 (leucyl-tRNA synthetase 1; minus strand). Cytogenetic location: 5q32.
Variant type: single nucleotide variant.
Coding change: c.1141A>G on transcript NM_020117.11 (MANE Select); coding-DNA position 1141, A replaced by G.
Protein change: p.Lys381Glu; replaces lysine 381 with glutamic acid.
Molecular consequence: missense variant.
Genome position (GRCh38, 1-based): chr5:146,153,905, T>C on the plus strand (A>G on the coding strand, the complement: LARS1 is on the minus strand). VCF-style: chr5-146153905-T-C. GRCh37 (hg19) VCF-style: chr5-145533468-T-C.
Other names: c.1003A>G, p.Lys335Glu (NM_001317964.2); c.979A>G, p.Lys327Glu (NM_001317965.2); c.1060A>G, p.Lys354Glu (NM_016460.4); short protein forms K327E, K335E, K354E, K381E.
Identifiers: ClinVar variation 1680393 (VCV001680393.5), dbSNP rs2126523110, ClinGen allele CA361611522.